The following is an entry in ClinVar:

NM_001080466.2(BTBD17):c.1098C>G (p.Pro366=)

Gene: BTBD17 (BTB domain containing 17; minus strand). Cytogenetic location: 17q25.1.
Variant type: single nucleotide variant.
Coding change: c.1098C>G on transcript NM_001080466.2 (MANE Select); coding-DNA position 1098, C replaced by G.
Protein change: p.Pro366=; no amino-acid change (proline 366 retained).
Molecular consequence: synonymous variant.
Genome position (GRCh38, 1-based): chr17:74,356,996, G>C on the plus strand (C>G on the coding strand, the complement: BTBD17 is on the minus strand). VCF-style: chr17-74356996-G-C. GRCh37 (hg19) VCF-style: chr17-72353135-G-C.
Identifiers: ClinVar variation 2648209 (VCV002648209.24), dbSNP rs752966517, ClinGen allele CA8747070.

ClinVar aggregate classification (germline): Likely benign (1 of 4 stars; one submission).

Allele frequency attached by ClinVar (database versions not stated): gnomAD 0.00001.

Submission:

CeGaT Center for Human Genetics Tuebingen
Classification: Likely benign. Last evaluated: 2026-08-01. Review status: criteria provided, single submitter. Criteria: CeGaT Center For Human Genetics Tuebingen Variant Classification Criteria Version 2. Collection method: clinical testing. Allele origin: germline. Affected: yes. Observed: 6 variant alleles.
Comment: BTBD17: BP4, BP7